The following is an entry in ClinVar:

ClinVar aggregate classification (germline): Likely pathogenic (1 of 4 stars; one submission).

Conditions:
Autosomal recessive limb-girdle muscular dystrophy type 2J (LGMDR10). Also called: Limb-girdle muscular dystrophy, type 2J; MUSCULAR DYSTROPHY, LIMB-GIRDLE, AUTOSOMAL RECESSIVE 10. Identifiers: Orphanet 140922, MedGen C1837342, MONDO:0012127, OMIM 608807.
Dilated cardiomyopathy 1G (CMD1G). Identifiers: Orphanet 154, MedGen C1858763, MONDO:0011400, OMIM 604145.

Submission:

Labcorp Genetics (formerly Invitae), Labcorp
Classification: Likely pathogenic for Dilated cardiomyopathy 1G; Autosomal recessive limb-girdle muscular dystrophy type 2J. Last evaluated: 2025-06-18. Review status: criteria provided, single submitter. Criteria: Invitae Variant Classification Sherloc (09022015). Collection method: clinical testing. Allele origin: germline.
Comment: This sequence change creates a premature translational stop signal (p.Leu1069Serfs*54) in the TTN gene. While this is not anticipated to result in nonsense mediated decay, it is expected to create a truncated TTN protein. This variant is not present in population databases (gnomAD no frequency). This variant has not been reported in the literature in individuals affected with TTN-related conditions. Algorithms developed to predict the effect of sequence changes on RNA splicing suggest that this variant may disrupt the consensus splice site. This variant is located in the Z band of TTN (PMID: 25589632). Truncating variants in this region have been reported in individuals affected with autosomal recessive centronuclear myopathy (PMID: 33449170, internal data). Truncating variants in this region have also been identified in individuals affected with autosomal dominant dilated cardiomyopathy and/or cardio-related conditions (PMID: 27869827, 32964742, internal data). In summary, the currently available evidence indicates that the variant is pathogenic, but additional data are needed to prove that conclusively. Therefore, this variant has been classified as Likely Pathogenic.

Literature cited by the submitters: PubMed 25589632; PubMed 33449170; PubMed 27869827; PubMed 32964742.

NM_001267550.2(TTN):c.3205del (p.Leu1069fs)

Gene: TTN (titin; minus strand). Cytogenetic location: 2q31.2.
Variant type: Deletion.
Coding change: c.3205del on transcript NM_001267550.2 (MANE Select); coding-DNA position 3205, one base deleted (C; older notation c.3205delC).
Protein change: p.Leu1069fs; shifts the reading frame from leucine 1069.
Molecular consequence: frameshift variant.
Genome position (GRCh38, 1-based): chr2:178,782,387, G deleted on the plus strand (C on the coding strand, the reverse complement: TTN is on the minus strand); the first of 2 consecutive G bases (chr2:178,782,387-178,782,388); deleting either gives the same sequence. VCF-style (leftmost placement, unchanged base first): chr2-178782386-AG-A. GRCh37 (hg19) VCF-style: chr2-179647113-AG-A.
Other names: c.3205del, p.Leu1069fs (NM_001256850.1, NM_133378.4, NM_133379.5); c.3067del, p.Leu1023fs (NM_003319.4, NM_133432.3, NM_133437.4); short protein forms L1023fs, L1069fs.
Identifiers: ClinVar variation 4785331 (VCV004785331.1).